The following is an entry in ClinVar:

NM_014141.6(CNTNAP2):c.1276C>A (p.Leu426Ile)

Gene: CNTNAP2 (contactin associated protein 2; plus strand). Cytogenetic location: 7q35.
Variant type: single nucleotide variant.
Coding change: c.1276C>A on transcript NM_014141.6 (MANE Select); coding-DNA position 1276, C replaced by A.
Protein change: p.Leu426Ile; replaces leucine 426 with isoleucine.
Molecular consequence: missense variant.
Genome position (GRCh38, 1-based): chr7:147,132,437, C>A. VCF-style: chr7-147132437-C-A. GRCh37 (hg19) VCF-style: chr7-146829529-C-A.
Other names: short protein forms L426I.
Identifiers: ClinVar variation 1519212 (VCV001519212.8), dbSNP rs187441681, ClinGen allele CA4546014.
Genomic context (GRCh38, chr7:147,132,437, plus strand): 5'-CCCAATGGTCTCCTGGTCTTCAGTCACTTTGCGGATAATTTGGGCAATGTGGAGATTGAC[C>A]TCACTGAAAGCAAAGTGGGTGTTCACATCAACATCACACAGACCAAGATGAGCCAAATCG-3'
Protein context (NP_054860.1, residues 416-436): ADNLGNVEID[Leu426Ile]TESKVGVHIN

ClinVar aggregate classification (germline): Uncertain significance (1 of 4 stars; one submission).

Conditions:
Cortical dysplasia-focal epilepsy syndrome (PTHSL1). Also called: Pitt-Hopkins-like syndrome 1. Identifiers: Orphanet 163681, Orphanet 221150, MedGen C2750246, MONDO:0012400, OMIM 610042.

Allele frequency attached by ClinVar (database versions not stated): gnomAD 0.00001 and 0.00002; gnomAD exomes 0.00001 and 0.00003; TOPMed 0.00001; ExAC 0.00002; 1000 Genomes Project 30x 0.00016; 1000 Genomes Project 0.00020.
gnomAD v4.1: 19 of 1,613,614 alleles (0.0012%); highest among the groups gnomAD compares: East Asian, 0.042%; no homozygotes.

Submission:

Labcorp Genetics (formerly Invitae), Labcorp
Classification: Uncertain significance for Cortical dysplasia-focal epilepsy syndrome. Last evaluated: 2024-05-15. Review status: criteria provided, single submitter. Criteria: Invitae Variant Classification Sherloc (09022015). Collection method: clinical testing. Allele origin: germline.
Comment: This sequence change replaces leucine, which is neutral and non-polar, with isoleucine, which is neutral and non-polar, at codon 426 of the CNTNAP2 protein (p.Leu426Ile). This variant is present in population databases (rs187441681, gnomAD 0.02%). This variant has not been reported in the literature in individuals affected with CNTNAP2-related conditions. ClinVar contains an entry for this variant (Variation ID: 1519212). An algorithm developed to predict the effect of missense changes on protein structure and function (PolyPhen-2) suggests that this variant is likely to be disruptive. In summary, the available evidence is currently insufficient to determine the role of this variant in disease. Therefore, it has been classified as a Variant of Uncertain Significance.